The following is an entry in ClinVar:

NM_002633.3(PGM1):c.249C>A (p.Ile83=)

Gene: PGM1 (phosphoglucomutase 1; plus strand). Cytogenetic location: 1p31.3.
Variant type: single nucleotide variant.
Coding change: c.249C>A on transcript NM_002633.3 (MANE Select); coding-DNA position 249, C replaced by A.
Protein change: p.Ile83=; no amino-acid change (isoleucine 83 retained).
Molecular consequence: synonymous variant. On other transcripts: 5 prime UTR variant (1).
Genome position (GRCh38, 1-based): chr1:63,629,427, C>A. VCF-style: chr1-63629427-C-A. GRCh37 (hg19) VCF-style: chr1-64095098-C-A.
Other names: c.303C>A, p.Ile101= (NM_001172818.1); c.-343C>A (NM_001172819.2).
Identifiers: ClinVar variation 1202306 (VCV001202306.10), dbSNP rs140086116, ClinGen allele CA889492.

ClinVar aggregate classification (germline): Conflicting classifications of pathogenicity. Review status: criteria provided, conflicting classifications (1 of 4 stars). 2 submissions from 2 submitters: Uncertain significance (1); Likely benign (1). Last evaluated 2026-09-25.

Conditions:
PGM1-congenital disorder of glycosylation. Also called: PHOSPHOGLUCOMUTASE 1 DEFICIENCY; PGM1 DEFICIENCY; GLYCOGEN STORAGE DISEASE XIV; GSD XIV; CDG It; Congenital disorder of glycosylation type 1t. Identifiers: Orphanet 319646, MedGen C2752015, MONDO:0013968, OMIM 614921.

Allele frequency attached by ClinVar (database versions not stated): 1000 Genomes Project 0.00080; ESP Exome Variant Server 0.00085; 1000 Genomes Project 30x 0.00078.

Submissions (4):

GeneDx
Classification: Uncertain significance. Last evaluated: 2026-09-25. Review status: criteria provided, single submitter. Criteria: GeneDx Variant Classification Process June 2021. Collection method: clinical testing. Allele origin: germline.
Comment: See Variant Classification Assertion Criteria.

Labcorp Genetics (formerly Invitae), Labcorp
Classification: Likely benign for PGM1-congenital disorder of glycosylation. Last evaluated: 2025-12-24. Review status: criteria provided, single submitter. Criteria: Invitae Variant Classification Sherloc (09022015). Collection method: clinical testing. Allele origin: germline.

Dr. Peter K. Rogan Lab, Western University
No classification provided (evidence only). Condition: Thyroid cancer, nonmedullary, 1. Review status: no classification provided. Collection method: in vitro. Allele origin: not applicable. Functional consequence: retained intron. Not counted in ClinVar's aggregate classification.

Dr. Peter K. Rogan Lab, Western University
No classification provided (evidence only). Condition: Cervical cancer. Review status: no classification provided. Collection method: in vitro. Allele origin: not applicable. Functional consequence: retained intron. Not counted in ClinVar's aggregate classification.